The following is an entry in ClinVar:

ClinVar aggregate classification (germline): Likely pathogenic (1 of 4 stars; one submission).

Allele frequency attached by ClinVar (database versions not stated): TOPMed below 0.00001; gnomAD 0.00001.
gnomAD v4.1: 1 of 1,608,142 alleles (0.000062%); highest among the groups gnomAD compares: African/African-American, 0.0013%; no homozygotes.

Submission:

Labcorp Genetics (formerly Invitae), Labcorp
Classification: Likely pathogenic. Last evaluated: 2023-04-15. Review status: criteria provided, single submitter. Criteria: Invitae Variant Classification Sherloc (09022015). Collection method: clinical testing. Allele origin: germline.
Comment: In summary, the currently available evidence indicates that the variant is pathogenic, but additional data are needed to prove that conclusively. Therefore, this variant has been classified as Likely Pathogenic. This sequence change affects a donor splice site in intron 4 of the ABCA12 gene. It is expected to disrupt RNA splicing. Variants that disrupt the donor or acceptor splice site typically lead to a loss of protein function (PMID: 16199547), and loss-of-function variants in ABCA12 are known to be pathogenic (PMID: 20672373). This variant is not present in population databases (gnomAD no frequency). This variant has not been reported in the literature in individuals affected with ABCA12-related conditions. Algorithms developed to predict the effect of sequence changes on RNA splicing suggest that this variant may disrupt the consensus splice site.

Literature cited by the submitters: PubMed 16199547; PubMed 20672373.

NM_173076.3(ABCA12):c.409+2T>C

Gene: ABCA12 (ATP binding cassette subfamily A member 12; minus strand). Cytogenetic location: 2q35.
Variant type: single nucleotide variant.
Coding change: c.409+2T>C on transcript NM_173076.3 (MANE Select); the canonical splice donor site of the intron after coding-DNA position 409, T replaced by C.
Molecular consequence: splice donor variant.
Genome position (GRCh38, 1-based): chr2:215,054,571, A>G on the plus strand (T>C on the coding strand, the complement: ABCA12 is on the minus strand). VCF-style: chr2-215054571-A-G. GRCh37 (hg19) VCF-style: chr2-215919295-A-G.
Identifiers: ClinVar variation 2852457 (VCV002852457.3), dbSNP rs1701383543, ClinGen allele CA350456909.